The following is an entry in ClinVar:

NM_001355436.2(SPTB):c.3228del (p.Trp1076fs)

Gene: SPTB (spectrin beta, erythrocytic; minus strand). Cytogenetic location: 14q23.3.
Variant type: Deletion.
Coding change: c.3228del on transcript NM_001355436.2 (MANE Select); coding-DNA position 3228, one base deleted (G; older notation c.3228delG).
Protein change: p.Trp1076fs; shifts the reading frame from tryptophan 1076.
Molecular consequence: frameshift variant.
Genome position (GRCh38, 1-based): chr14:64,786,737, C deleted on the plus strand (G on the coding strand, the reverse complement: SPTB is on the minus strand); the first of 2 consecutive C bases (chr14:64,786,737-64,786,738); deleting either gives the same sequence. VCF-style (leftmost placement, unchanged base first): chr14-64786736-GC-G. GRCh37 (hg19) VCF-style: chr14-65253454-GC-G.
Other names: c.3228del, p.Trp1076fs (NM_001024858.4, NM_001355437.2); short protein forms W1076fs.
Identifiers: ClinVar variation 4292033 (VCV004292033.1).
Genomic context (GRCh38, chr14:64,786,736, plus strand): 5'-CAGCCTCTGGGAGGGATTCGGGCATGTCCTCAGAGGCCACAGCCTTCTGGGTGATGGAGA[GC>G]CAGGCCTGGAAGTCATCCAGATCCTGCAGGAAGGCCTGCAGCTGGCTGACTTCCCCCAGC-3'

ClinVar aggregate classification (germline): Likely pathogenic (1 of 4 stars; one submission).

Conditions:
Hereditary spherocytosis type 2. Also called: SPHEROCYTOSIS, TYPE 2, AUTOSOMAL DOMINANT. Identifiers: Orphanet 822, MedGen C2674219, MONDO:0000913, OMIM 616649.

Submission:

3billion
Classification: Likely pathogenic for Hereditary spherocytosis type 2. Last evaluated: 2024-06-20. Review status: criteria provided, single submitter. Criteria: ACMG Guidelines, 2015. Collection method: clinical testing. Allele origin: germline. Affected: yes.
Comment: The variant is not observed in the gnomAD v4.0.0 dataset. Predicted Consequence/Location: Frameshift: predicted to result in a loss or disruption of normal protein function through nonsense-mediated decay (NMD) or protein truncation. Multiple pathogenic variants are reported downstream of the variant. Therefore, this variant is classified as Likely pathogenic according to the recommendation of ACMG/AMP guideline.